The following is an entry in ClinVar:

ClinVar aggregate classification (germline): Likely benign. Review status: criteria provided, multiple submitters, no conflicts (2 of 4 stars). 2 submissions from 2 submitters: Likely benign (2). Last evaluated 2025-11-23.

Conditions:
Developmental and epileptic encephalopathy, 11 (DEE11). Also called: Early infantile epileptic encephalopathy 11. Identifiers: Orphanet 1934, MedGen C3150987, MONDO:0013388, OMIM 613721.
Seizures, benign familial infantile, 3 (BFIS3). Also called: CONVULSIONS, BENIGN FAMILIAL INFANTILE, 3; Familial neonatal seizures. Identifiers: Orphanet 140927, Orphanet 306, MedGen C1843140, MONDO:0011904, OMIM 607745.

Allele frequency attached by ClinVar (database versions not stated): ExAC 0.00001; gnomAD 0.00001; gnomAD exomes 0.00001; TOPMed 0.00001.
gnomAD v4.1: 8 of 1,613,964 alleles (0.0005%); highest among the groups gnomAD compares: Non-Finnish European, 0.00068%; 1 homozygote.

Submissions (2):

Labcorp Genetics (formerly Invitae), Labcorp
Classification: Likely benign for Seizures, benign familial infantile, 3; Developmental and epileptic encephalopathy, 11. Last evaluated: 2025-11-23. Review status: criteria provided, single submitter. Criteria: Invitae Variant Classification Sherloc (09022015). Collection method: clinical testing. Allele origin: germline.

GeneDx
Classification: Likely benign. Last evaluated: 2017-12-07. Review status: criteria provided, single submitter. Criteria: GeneDx Variant Classification (06012015). Collection method: clinical testing. Allele origin: germline. Affected: yes.
Comment: This variant is considered likely benign or benign based on one or more of the following criteria: it is a conservative change, it occurs at a poorly conserved position in the protein, it is predicted to be benign by multiple in silico algorithms, and/or has population frequency not consistent with disease.

NM_001040142.2(SCN2A):c.2518T>C (p.Leu840=)

Gene: SCN2A (sodium voltage-gated channel alpha subunit 2; plus strand). Cytogenetic location: 2q24.3.
Variant type: single nucleotide variant.
Coding change: c.2518T>C on transcript NM_001040142.2 (MANE Select); coding-DNA position 2518, T replaced by C.
Protein change: p.Leu840=; no amino-acid change (leucine 840 retained).
Molecular consequence: synonymous variant.
Genome position (GRCh38, 1-based): chr2:165,342,425, T>C. VCF-style: chr2-165342425-T-C. GRCh37 (hg19) VCF-style: chr2-166198935-T-C.
Other names: c.2518T>C, p.Leu840= (NM_001040143.2, NM_001371246.1, NM_001371247.1 and 1 more transcripts).
Identifiers: ClinVar variation 513880 (VCV000513880.6), dbSNP rs768817318, ClinGen allele CA1939987.